The following is an entry in ClinVar:

NM_001184880.2(PCDH19):c.1372T>A (p.Tyr458Asn)

Gene: PCDH19 (protocadherin 19; minus strand). Cytogenetic location: Xq22.1.
Variant type: single nucleotide variant.
Coding change: c.1372T>A on transcript NM_001184880.2 (MANE Select); coding-DNA position 1372, T replaced by A.
Protein change: p.Tyr458Asn; replaces tyrosine 458 with asparagine.
Molecular consequence: missense variant.
Genome position (GRCh38, 1-based): chrX:100,407,226, A>T on the plus strand (T>A on the coding strand, the complement: PCDH19 is on the minus strand). VCF-style: chrX-100407226-A-T. GRCh37 (hg19) VCF-style: chrX-99662224-A-T.
Other names: c.1372T>A, p.Tyr458Asn (NM_001105243.2, NM_020766.3); short protein forms Y458N.
Identifiers: ClinVar variation 2752676 (VCV002752676.3), dbSNP rs1064794762, ClinGen allele CA414002868.

ClinVar aggregate classification (germline): Uncertain significance (1 of 4 stars; one submission).

Conditions:
Developmental and epileptic encephalopathy, 9 (DEE9). Also called: Early infantile epileptic encephalopathy 9; PCDH19-Related X-Linked Female-Limited Epilepsy with Mental Retardation; EPILEPSY, FEMALE-RESTRICTED, WITH MENTAL RETARDATION; JUBERG-HELLMAN SYNDROME. Identifiers: Orphanet 101039, Orphanet 2076, MedGen C1848137, MONDO:0010246, OMIM 300088. Disease mechanism: loss of function.

Allele frequency attached by ClinVar (database versions not stated): TOPMed 0.00002.

Submission:

Labcorp Genetics (formerly Invitae), Labcorp
Classification: Uncertain significance for Developmental and epileptic encephalopathy, 9. Last evaluated: 2023-08-16. Review status: criteria provided, single submitter. Criteria: Invitae Variant Classification Sherloc (09022015). Collection method: clinical testing. Allele origin: germline.
Comment: In summary, the available evidence is currently insufficient to determine the role of this variant in disease. Therefore, it has been classified as a Variant of Uncertain Significance. Advanced modeling of protein sequence and biophysical properties (such as structural, functional, and spatial information, amino acid conservation, physicochemical variation, residue mobility, and thermodynamic stability) performed at Invitae indicates that this missense variant is expected to disrupt PCDH19 protein function. This variant has not been reported in the literature in individuals affected with PCDH19-related conditions. This variant is not present in population databases (gnomAD no frequency). This sequence change replaces tyrosine, which is neutral and polar, with asparagine, which is neutral and polar, at codon 458 of the PCDH19 protein (p.Tyr458Asn).